The following is an entry in ClinVar:

ClinVar aggregate classification (germline): Benign. Review status: criteria provided, multiple submitters, no conflicts (2 of 4 stars). 6 submissions from 5 submitters: Benign (5). 1 of the submissions does not count toward it. Last evaluated 2025-06-10.

Conditions:
Hereditary pulmonary alveolar proteinosis. Also called: Pulmonary surfactant metabolism dysfunction. Identifiers: Orphanet 264675, MedGen C3711368, MONDO:0012580.
SFTPC-related disorder. Also called: SFTPC-related condition.
Surfactant metabolism dysfunction, pulmonary, 2 (SMDP2). Also called: DESQUAMATIVE INTERSTITIAL PNEUMONITIS DUE TO SURFACTANT PROTEIN C DEFICIENCY; INTERSTITIAL LUNG DISEASE DUE TO SURFACTANT PROTEIN C DEFICIENCY; PULMONARY ALVEOLAR PROTEINOSIS, CONGENITAL, 2. Identifiers: Orphanet 440392, MedGen C1970470, MONDO:0024465, OMIM 610913.
Interstitial lung disease 2 (ILD2). Also called: FIBROCYSTIC PULMONARY DYSPLASIA; FIBROSING ALVEOLITIS, CRYPTOGENIC; Familial idiopathic pulmonary fibrosis. Identifiers: Orphanet 2032, Orphanet 79126, MedGen C5561926, MONDO:0800497, OMIM 178500, MONDO:0800029.

Allele frequency attached by ClinVar (database versions not stated): 1000 Genomes Project 30x 0.00172; TOPMed 0.00197; ESP Exome Variant Server 0.00024; gnomAD 0.00124; 1000 Genomes Project 0.00180.
gnomAD v4.1: 754 of 1,614,144 alleles (0.047%); highest among the groups gnomAD compares: East Asian, 1.4%; 9 homozygotes.

Submissions (6):

Labcorp Genetics (formerly Invitae), Labcorp
Classification: Benign. Last evaluated: 2025-06-10. Review status: criteria provided, single submitter. Criteria: Invitae Variant Classification Sherloc (09022015). Collection method: clinical testing. Allele origin: germline.

Illumina Laboratory Services, Illumina
Classification: Benign for Surfactant metabolism dysfunction, pulmonary, 2. Last evaluated: 2018-01-13. Review status: criteria provided, single submitter. Criteria: ICSL Variant Classification Criteria 13 December 2019. Collection method: clinical testing. Allele origin: germline.
Comment: This variant was observed in the ICSL laboratory as part of a predisposition screen in an ostensibly healthy population. It had not been previously curated by ICSL or reported in the Human Gene Mutation Database (HGMD: prior to June 1st, 2018), and was therefore a candidate for classification through an automated scoring system. Utilizing variant allele frequency, disease prevalence and penetrance estimates, and inheritance mode, an automated score was calculated to assess if this variant is too frequent to cause the disease. Based on the score and internal cut-off values, a variant classified as benign is not then subjected to further curation. The score for this variant resulted in a classification of benign for this disease.

Illumina Laboratory Services, Illumina
Classification: Benign for Idiopathic fibrosing alveolitis, chronic form. Last evaluated: 2018-01-13. Review status: criteria provided, single submitter. Criteria: ICSL Variant Classification Criteria 13 December 2019. Collection method: clinical testing. Allele origin: germline.
Comment: the same text as in the submission from Illumina Laboratory Services, Illumina above.

Ambry Genetics
Classification: Benign for Hereditary pulmonary alveolar proteinosis. Last evaluated: 2015-05-22. Review status: criteria provided, single submitter. Criteria: Ambry Variant Classification Scheme 2023. Collection method: clinical testing. Allele origin: germline.

Breakthrough Genomics
Classification: Benign. Review status: criteria provided, single submitter. Criteria: ACMG Guidelines, 2015. Collection method: not provided. Allele origin: germline. Inheritance: Autosomal dominant inheritance. Affected: yes.

PreventionGenetics, part of Exact Sciences
Classification: Benign for SFTPC-related condition. Last evaluated: 2019-12-06. Review status: no assertion criteria provided. Collection method: clinical testing. Allele origin: germline. Not counted in ClinVar's aggregate classification.
Comment: This variant is classified as benign based on ACMG/AMP sequence variant interpretation guidelines (Richards et al. 2015 PMID: 25741868, with internal and published modifications).

NM_001317778.2(SFTPC):c.228G>C (p.Pro76=)

Gene: SFTPC (surfactant protein C; plus strand). Cytogenetic location: 8p21.3.
Variant type: single nucleotide variant.
Coding change: c.228G>C on transcript NM_001317778.2 (MANE Select); coding-DNA position 228, G replaced by C.
Protein change: p.Pro76=; no amino-acid change (proline 76 retained).
Molecular consequence: synonymous variant.
Genome position (GRCh38, 1-based): chr8:22,163,106, G>C. VCF-style: chr8-22163106-G-C. GRCh37 (hg19) VCF-style: chr8-22020619-G-C.
Other names: c.228G>C, p.Pro76= (NM_001172357.2, NM_001172410.2, NM_001317780.2 and 1 more transcripts); c.69G>C, p.Pro23= (NM_001317779.2).
Identifiers: ClinVar variation 362556 (VCV000362556.17), dbSNP rs75413490, ClinGen allele CA4663940.